The following is an entry in ClinVar:

NM_020120.4(UGGT1):c.2545G>T (p.Ala849Ser)

Gene: UGGT1 (UDP-glucose glycoprotein glucosyltransferase 1; plus strand). Cytogenetic location: 2q14.3.
Variant type: single nucleotide variant.
Coding change: c.2545G>T on transcript NM_020120.4 (MANE Select); coding-DNA position 2545, G replaced by T.
Protein change: p.Ala849Ser; replaces alanine 849 with serine.
Molecular consequence: missense variant. On other transcripts: non-coding transcript variant (1).
Genome position (GRCh38, 1-based): chr2:128,159,703, G>T. VCF-style: chr2-128159703-G-T. GRCh37 (hg19) VCF-style: chr2-128917277-G-T.
Other names: short protein forms A849S.
Identifiers: ClinVar variation 2651346 (VCV002651346.24), dbSNP rs141470228, ClinGen allele CA1866776.
Genomic context (GRCh38, chr2:128,159,703, plus strand): 5'-TTCATCACCAAAATGGCCAAGGAGGGGGCTGCAGAGGCCCTGGCTGCAGGAGCTGACATT[G>T]CGGAGTTCTCTGTTGGGGTAAGGCTCTGAGCCTCTCATGAGGCTGCCCCATTTTGTCTGC-3'
Protein context (NP_064505.1, residues 839-859): AEALAAGADI[Ala849Ser]EFSVGGMDFS

ClinVar aggregate classification (germline): Benign (1 of 4 stars; one submission).

Allele frequency attached by ClinVar (database versions not stated): gnomAD exomes 0.00031; ExAC 0.00052; 1000 Genomes Project 30x 0.00062; 1000 Genomes Project 0.00080; gnomAD 0.00102; TOPMed 0.00107; ESP Exome Variant Server 0.00108.
gnomAD v4.1: 625 of 1,614,098 alleles (0.039%); highest among the groups gnomAD compares: Middle Eastern, 1.3%; 5 homozygotes.

Submission:

CeGaT Center for Human Genetics Tuebingen
Classification: Benign. Last evaluated: 2022-07-01. Review status: criteria provided, single submitter. Criteria: CeGaT Center For Human Genetics Tuebingen Variant Classification Criteria Version 2. Collection method: clinical testing. Allele origin: germline. Affected: yes. Observed: 1 variant allele.
Comment: UGGT1: BS1, BS2